The following is an entry in ClinVar:

NM_001378454.1(ALMS1):c.1828C>G (p.Gln610Glu)

Gene: ALMS1 (ALMS1 centrosome and basal body associated protein; plus strand). Cytogenetic location: 2p13.1.
Variant type: single nucleotide variant.
Coding change: c.1828C>G on transcript NM_001378454.1 (MANE Select); coding-DNA position 1828, C replaced by G.
Protein change: p.Gln610Glu; replaces glutamine 610 with glutamic acid.
Molecular consequence: missense variant.
Genome position (GRCh38, 1-based): chr2:73,448,355, C>G. VCF-style: chr2-73448355-C-G. GRCh37 (hg19) VCF-style: chr2-73675482-C-G.
Other names: c.1831C>G, p.Gln611Glu (NM_015120.4); short protein forms Q610E, Q611E.
Identifiers: ClinVar variation 1943848 (VCV001943848.5), dbSNP rs2466092411, ClinGen allele CA347265529.

ClinVar aggregate classification (germline): Uncertain significance (1 of 4 stars; one submission).

Conditions:
Alstrom syndrome (ALMS). Identifiers: Orphanet 64, MedGen C0268425, MONDO:0008763, OMIM 203800.

Submission:

Labcorp Genetics (formerly Invitae), Labcorp
Classification: Uncertain significance for Alstrom syndrome. Last evaluated: 2022-05-13. Review status: criteria provided, single submitter. Criteria: Invitae Variant Classification Sherloc (09022015). Collection method: clinical testing. Allele origin: germline.
Comment: This variant is not present in population databases (gnomAD no frequency). This sequence change replaces glutamine, which is neutral and polar, with glutamic acid, which is acidic and polar, at codon 611 of the ALMS1 protein (p.Gln611Glu). This variant has not been reported in the literature in individuals affected with ALMS1-related conditions. Experimental studies and prediction algorithms are not available or were not evaluated, and the functional significance of this variant is currently unknown. In summary, the available evidence is currently insufficient to determine the role of this variant in disease. Therefore, it has been classified as a Variant of Uncertain Significance.